The following is an entry in ClinVar:

NM_005263.5(GFI1):c.1256A>G (p.His419Arg)

Gene: GFI1 (growth factor independent 1 transcriptional repressor; minus strand). Cytogenetic location: 1p22.1.
Variant type: single nucleotide variant.
Coding change: c.1256A>G on transcript NM_005263.5 (MANE Select); coding-DNA position 1256, A replaced by G.
Protein change: p.His419Arg; replaces histidine 419 with arginine.
Molecular consequence: missense variant.
Genome position (GRCh38, 1-based): chr1:92,476,042, T>C on the plus strand (A>G on the coding strand, the complement: GFI1 is on the minus strand). VCF-style: chr1-92476042-T-C. GRCh37 (hg19) VCF-style: chr1-92941599-T-C.
Other names: c.1256A>G, p.His419Arg (NM_001127215.3, NM_001127216.3); short protein forms H419R.
Identifiers: ClinVar variation 4029441 (VCV004029441.1).

ClinVar aggregate classification (germline): Uncertain significance (1 of 4 stars; one submission).

gnomAD v4.1: 1 of 1,614,096 alleles (0.000062%); highest among the groups gnomAD compares: Admixed American, 0.0017%; no homozygotes.

Submission:

Ambry Genetics
Classification: Uncertain significance. Last evaluated: 2025-05-31. Review status: criteria provided, single submitter. Criteria: Ambry Variant Classification Scheme 2023. Collection method: clinical testing. Allele origin: germline.
Comment: The p.H419R variant (also known as c.1256A>G), located in coding exon 6 of the GFI1 gene, results from an A to G substitution at nucleotide position 1256. The histidine at codon 419 is replaced by arginine, an amino acid with highly similar properties. This amino acid position is conserved. In addition, the in silico prediction for this alteration is inconclusive. Based on the available evidence, the clinical significance of this variant remains unclear.